The following is an entry in ClinVar:

NM_002691.4(POLD1):c.683A>G (p.Glu228Gly)

Gene: POLD1 (DNA polymerase delta 1, catalytic subunit; plus strand). Cytogenetic location: 19q13.33.
Variant type: single nucleotide variant.
Coding change: c.683A>G on transcript NM_002691.4 (MANE Select); coding-DNA position 683, A replaced by G.
Protein change: p.Glu228Gly; replaces glutamic acid 228 with glycine.
Molecular consequence: missense variant. On other transcripts: non-coding transcript variant (1).
Genome position (GRCh38, 1-based): chr19:50,402,298, A>G. VCF-style: chr19-50402298-A-G. GRCh37 (hg19) VCF-style: chr19-50905555-A-G.
Other names: c.683A>G, p.Glu228Gly (NM_001256849.1, NM_001308632.1, NM_001438210.1 and 3 more transcripts); short protein forms E228G.
Identifiers: ClinVar variation 4669491 (VCV004669491.1).

ClinVar aggregate classification (germline): Uncertain significance (1 of 4 stars; one submission).

Conditions:
Hereditary cancer-predisposing syndrome. Also called: Neoplastic Syndromes, Hereditary; Tumor predisposition; Hereditary Cancer Syndrome; Hereditary neoplastic syndrome. Identifiers: Orphanet 140162, MedGen C0027672, MeSH D009386, MONDO:0015356.

Submission:

Ambry Genetics
Classification: Uncertain significance for Hereditary cancer-predisposing syndrome. Last evaluated: 2025-12-14. Review status: criteria provided, single submitter. Criteria: Ambry Variant Classification Scheme 2023. Collection method: clinical testing. Allele origin: germline.
Comment: The p.E228G variant (also known as c.683A>G), located in coding exon 5 of the POLD1 gene, results from an A to G substitution at nucleotide position 683. The glutamic acid at codon 228 is replaced by glycine, an amino acid with similar properties. This amino acid position is conserved. In addition, this alteration is predicted to be tolerated by in silico analysis. Based on the available evidence, the clinical significance of this variant remains unclear.